The following is an entry in ClinVar:

NM_002283.4(KRT85):c.265G>A (p.Gly89Arg)

Gene: KRT85 (keratin 85; minus strand). Cytogenetic location: 12q13.13.
Variant type: single nucleotide variant.
Coding change: c.265G>A on transcript NM_002283.4 (MANE Select); coding-DNA position 265, G replaced by A.
Protein change: p.Gly89Arg; replaces glycine 89 with arginine.
Molecular consequence: missense variant.
Genome position (GRCh38, 1-based): chr12:52,367,141, C>T on the plus strand (G>A on the coding strand, the complement: KRT85 is on the minus strand). VCF-style: chr12-52367141-C-T. GRCh37 (hg19) VCF-style: chr12-52760925-C-T.
Other names: c.265G>A (NM_002283.3); short protein forms G89R.
Identifiers: ClinVar variation 1992017 (VCV001992017.5), dbSNP rs150836526, ClinGen allele CA6578360.

ClinVar aggregate classification (germline): Uncertain significance. Review status: criteria provided, multiple submitters, no conflicts (2 of 4 stars). 2 submissions from 2 submitters: Uncertain significance (2). Last evaluated 2025-09-10.

Allele frequency attached by ClinVar (database versions not stated): gnomAD exomes 0.00001; TOPMed 0.00001; ExAC 0.00002; 1000 Genomes Project 30x 0.00047; 1000 Genomes Project 0.00060.
gnomAD v4.1: 20 of 1,613,450 alleles (0.0012%); highest among the groups gnomAD compares: African/African-American, 0.02%; no homozygotes.

Submissions (2):

Ambry Genetics
Classification: Uncertain significance. Last evaluated: 2025-09-10. Review status: criteria provided, single submitter. Criteria: Ambry Variant Classification Scheme 2023. Collection method: clinical testing. Allele origin: germline.

Labcorp Genetics (formerly Invitae), Labcorp
Classification: Uncertain significance. Last evaluated: 2022-04-07. Review status: criteria provided, single submitter. Criteria: Invitae Variant Classification Sherloc (09022015). Collection method: clinical testing. Allele origin: germline.
Comment: This sequence change replaces glycine, which is neutral and non-polar, with arginine, which is basic and polar, at codon 89 of the KRT85 protein (p.Gly89Arg). This variant is present in population databases (rs150836526, gnomAD 0.02%). This variant has not been reported in the literature in individuals affected with KRT85-related conditions. Advanced modeling of protein sequence and biophysical properties (such as structural, functional, and spatial information, amino acid conservation, physicochemical variation, residue mobility, and thermodynamic stability) performed at Invitae indicates that this missense variant is not expected to disrupt KRT85 protein function. In summary, the available evidence is currently insufficient to determine the role of this variant in disease. Therefore, it has been classified as a Variant of Uncertain Significance.